The following is an entry in ClinVar:

ClinVar aggregate classification (germline): Uncertain significance (1 of 4 stars; one submission).

Allele frequency attached by ClinVar (database versions not stated): 1000 Genomes Project 30x 0.00016.
gnomAD v4.1: 2 of 1,549,626 alleles (0.00013%); highest among the groups gnomAD compares: African/African-American, 0.0027%; no homozygotes.

Submission:

Labcorp Genetics (formerly Invitae), Labcorp
Classification: Uncertain significance. Last evaluated: 2023-08-02. Review status: criteria provided, single submitter. Criteria: Invitae Variant Classification Sherloc (09022015). Collection method: clinical testing. Allele origin: germline.
Comment: In summary, the available evidence is currently insufficient to determine the role of this variant in disease. Therefore, it has been classified as a Variant of Uncertain Significance. Algorithms developed to predict the effect of missense changes on protein structure and function output the following: SIFT: "Not Available"; PolyPhen-2: "Benign"; Align-GVGD: "Not Available". The glutamic acid amino acid residue is found in multiple mammalian species, which suggests that this missense change does not adversely affect protein function. This variant has not been reported in the literature in individuals affected with ZNF469-related conditions. This variant is not present in population databases (gnomAD no frequency). This sequence change replaces aspartic acid, which is acidic and polar, with glutamic acid, which is acidic and polar, at codon 134 of the ZNF469 protein (p.Asp134Glu).

NM_001367624.2(ZNF469):c.402C>A (p.Asp134Glu)

Gene: ZNF469 (zinc finger protein 469; plus strand). Cytogenetic location: 16q24.2.
Variant type: single nucleotide variant.
Coding change: c.402C>A on transcript NM_001367624.2 (MANE Select); coding-DNA position 402, C replaced by A.
Protein change: p.Asp134Glu; replaces aspartic acid 134 with glutamic acid.
Molecular consequence: missense variant.
Genome position (GRCh38, 1-based): chr16:88,427,872, C>A. VCF-style: chr16-88427872-C-A. GRCh37 (hg19) VCF-style: chr16-88494280-C-A.
Other names: short protein forms D134E.
Identifiers: ClinVar variation 2965847 (VCV002965847.3), dbSNP rs569036398, ClinGen allele CA286371583.